The following is an entry in ClinVar:

NM_032119.4(ADGRV1):c.12155C>A (p.Pro4052His)

Gene: ADGRV1 (adhesion G protein-coupled receptor V1; plus strand). Cytogenetic location: 5q14.3.
Variant type: single nucleotide variant.
Coding change: c.12155C>A on transcript NM_032119.4 (MANE Select); coding-DNA position 12155, C replaced by A.
Protein change: p.Pro4052His; replaces proline 4052 with histidine.
Molecular consequence: missense variant. On other transcripts: non-coding transcript variant (1).
Genome position (GRCh38, 1-based): chr5:90,763,339, C>A. VCF-style: chr5-90763339-C-A. GRCh37 (hg19) VCF-style: chr5-90059156-C-A.
Other names: short protein forms P4052H.
Identifiers: ClinVar variation 1510359 (VCV001510359.7), dbSNP rs545715587, ClinGen allele CA122800379.

ClinVar aggregate classification (germline): Uncertain significance (1 of 4 stars; one submission).

Allele frequency attached by ClinVar (database versions not stated): gnomAD 0.00001.
gnomAD v4.1: 7 of 1,607,448 alleles (0.00044%); highest among the groups gnomAD compares: Non-Finnish European, 0.0006%; no homozygotes.

Submission:

Labcorp Genetics (formerly Invitae), Labcorp
Classification: Uncertain significance. Last evaluated: 2024-01-29. Review status: criteria provided, single submitter. Criteria: Invitae Variant Classification Sherloc (09022015). Collection method: clinical testing. Allele origin: germline.
Comment: This sequence change replaces proline, which is neutral and non-polar, with histidine, which is basic and polar, at codon 4052 of the ADGRV1 protein (p.Pro4052His). This variant is not present in population databases (gnomAD no frequency). This variant has not been reported in the literature in individuals affected with ADGRV1-related conditions. ClinVar contains an entry for this variant (Variation ID: 1510359). An algorithm developed to predict the effect of missense changes on protein structure and function (PolyPhen-2) suggests that this variant is likely to be disruptive. In summary, the available evidence is currently insufficient to determine the role of this variant in disease. Therefore, it has been classified as a Variant of Uncertain Significance.